The following is an entry in ClinVar:

NM_005604.4(POU3F2):c.1074G>T (p.Arg358=)

Gene: POU3F2 (POU class 3 homeobox 2; plus strand). Cytogenetic location: 6q16.1.
Variant type: single nucleotide variant.
Coding change: c.1074G>T on transcript NM_005604.4 (MANE Select); coding-DNA position 1074, G replaced by T.
Protein change: p.Arg358=; no amino-acid change (arginine 358 retained).
Molecular consequence: synonymous variant.
Genome position (GRCh38, 1-based): chr6:98,835,947, G>T. VCF-style: chr6-98835947-G-T. GRCh37 (hg19) VCF-style: chr6-99283823-G-T.
Identifiers: ClinVar variation 4534733 (VCV004534733.6).

ClinVar aggregate classification (germline): Likely benign (1 of 4 stars; one submission).

gnomAD v4.1: 9 of 1,614,226 alleles (0.00056%); highest among the groups gnomAD compares: Non-Finnish European, 0.00076%; no homozygotes.

Submission:

CeGaT Center for Human Genetics Tuebingen
Classification: Likely benign. Last evaluated: 2025-10-01. Review status: criteria provided, single submitter. Criteria: CeGaT Center For Human Genetics Tuebingen Variant Classification Criteria Version 2. Collection method: clinical testing. Allele origin: germline. Affected: yes. Observed: 1 variant allele.
Comment: POU3F2: BP4, BP7